The following is an entry in ClinVar:

NM_001122630.2(CDKN1C):c.622G>C (p.Ala208Pro)

Gene: CDKN1C (cyclin dependent kinase inhibitor 1C; minus strand). Cytogenetic location: 11p15.4.
Variant type: single nucleotide variant.
Coding change: c.622G>C on transcript NM_001122630.2 (MANE Select); coding-DNA position 622, G replaced by C.
Protein change: p.Ala208Pro; replaces alanine 208 with proline.
Molecular consequence: missense variant. On other transcripts: intron variant (1).
Genome position (GRCh38, 1-based): chr11:2,884,835, C>G on the plus strand (G>C on the coding strand, the complement: CDKN1C is on the minus strand). VCF-style: chr11-2884835-C-G. GRCh37 (hg19) VCF-style: chr11-2906065-C-G.
Other names: c.255+367G>C (NM_001362475.2); c.655G>C, p.Ala219Pro (NM_000076.2, NM_001362474.2); c.622G>C, p.Ala208Pro (NM_001122631.2); short protein forms A208P, A219P.
Identifiers: ClinVar variation 2002099 (VCV002002099.4), dbSNP rs2133782778, ClinGen allele CA379146060.

ClinVar aggregate classification (germline): Uncertain significance (1 of 4 stars; one submission).

Conditions:
Beckwith-Wiedemann syndrome (BWS). Also called: Exomphalos macroglossia gigantism syndrome; EMG SYNDROME. Identifiers: Orphanet 116, MedGen C0004903, MONDO:0007534, OMIM 130650.

Submission:

Labcorp Genetics (formerly Invitae), Labcorp
Classification: Uncertain significance for Beckwith-Wiedemann syndrome. Last evaluated: 2022-06-02. Review status: criteria provided, single submitter. Criteria: Invitae Variant Classification Sherloc (09022015). Collection method: clinical testing. Allele origin: germline.
Comment: Algorithms developed to predict the effect of missense changes on protein structure and function output the following: SIFT: "Tolerated"; PolyPhen-2: "Not Available"; Align-GVGD: "Class C0". The proline amino acid residue is found in multiple mammalian species, which suggests that this missense change does not adversely affect protein function. In summary, the available evidence is currently insufficient to determine the role of this variant in disease. Therefore, it has been classified as a Variant of Uncertain Significance. This variant is not present in population databases (gnomAD no frequency). This sequence change replaces alanine, which is neutral and non-polar, with proline, which is neutral and non-polar, at codon 219 of the CDKN1C protein (p.Ala219Pro). This variant has not been reported in the literature in individuals affected with CDKN1C-related conditions.